The following is an entry in ClinVar:

ClinVar aggregate classification (germline): Uncertain significance. Review status: criteria provided, multiple submitters, no conflicts (2 of 4 stars). 2 submissions from 2 submitters: Uncertain significance (2). Last evaluated 2024-12-22.

Conditions:
Pulmonary fibrosis and/or bone marrow failure, Telomere-related, 3. Also called: PULMONARY FIBROSIS AND/OR BONE MARROW FAILURE SYNDROME, TELOMERE-RELATED, 3. Identifiers: Orphanet 2032, MedGen C4225346, MONDO:0014613, OMIM 616373.
Dyskeratosis congenita, autosomal recessive 5 (DKCB5). Identifiers: MedGen C3554656, MONDO:0014076, OMIM 615190.
Inborn genetic diseases. Identifiers: MedGen C0950123, MeSH D030342.

Allele frequency attached by ClinVar (database versions not stated): gnomAD 0.00001; gnomAD exomes 0.00001; TOPMed 0.00001.
gnomAD v4.1: 25 of 1,612,718 alleles (0.0016%); highest among the groups gnomAD compares: Non-Finnish European, 0.0017%; no homozygotes.

Submissions (2):

Ambry Genetics
Classification: Uncertain significance for Inborn genetic diseases. Last evaluated: 2024-12-22. Review status: criteria provided, single submitter. Criteria: Ambry Variant Classification Scheme 2023. Collection method: clinical testing. Allele origin: germline.
Comment: The p.P517S variant (also known as c.1549C>T), located in coding exon 17 of the RTEL1 gene, results from a C to T substitution at nucleotide position 1549. The proline at codon 517 is replaced by serine, an amino acid with similar properties. This amino acid position is conserved. In addition, this alteration is predicted to be tolerated by in silico analysis. Based on the available evidence, the clinical significance of this variant remains unclear.

Labcorp Genetics (formerly Invitae), Labcorp
Classification: Uncertain significance for Dyskeratosis congenita, autosomal recessive 5; Pulmonary fibrosis and/or bone marrow failure, Telomere-related, 3. Last evaluated: 2021-09-01. Review status: criteria provided, single submitter. Criteria: Invitae Variant Classification Sherloc (09022015). Collection method: clinical testing. Allele origin: germline.
Comment: This sequence change replaces proline with serine at codon 517 of the RTEL1 protein (p.Pro517Ser). The proline residue is weakly conserved and there is a moderate physicochemical difference between proline and serine. This variant is not present in population databases (ExAC no frequency). This variant has not been reported in the literature in individuals affected with RTEL1-related conditions. Algorithms developed to predict the effect of missense changes on protein structure and function (SIFT, PolyPhen-2, Align-GVGD) all suggest that this variant is likely to be tolerated. In summary, the available evidence is currently insufficient to determine the role of this variant in disease. Therefore, it has been classified as a Variant of Uncertain Significance.

NM_001283009.2(RTEL1):c.1549C>T (p.Pro517Ser)

Genes: RTEL1 (regulator of telomere elongation helicase 1; plus strand), RTEL1-TNFRSF6B (RTEL1-TNFRSF6B readthrough (NMD candidate); plus strand). Cytogenetic location: 20q13.33.
Variant type: single nucleotide variant.
Coding change: c.1549C>T on transcript NM_001283009.2 (MANE Select); coding-DNA position 1549, C replaced by T.
Protein change: p.Pro517Ser; replaces proline 517 with serine.
Molecular consequence: missense variant. On other transcripts: non-coding transcript variant (1).
Genome position (GRCh38, 1-based): chr20:63,688,004, C>T. VCF-style: chr20-63688004-C-T. GRCh37 (hg19) VCF-style: chr20-62319357-C-T.
Other names: c.880C>T, p.Pro294Ser (NM_001283010.1); c.1549C>T, p.Pro517Ser (NM_016434.4); c.1621C>T, p.Pro541Ser (NM_032957.5); short protein forms P541S, P294S, P517S.
Identifiers: ClinVar variation 2151101 (VCV002151101.2), dbSNP rs1476802519, ClinGen allele CA409676761.